The following is an entry in ClinVar:

ClinVar aggregate classification (germline): Likely pathogenic. Review status: criteria provided, multiple submitters, no conflicts (2 of 4 stars). 2 submissions from 2 submitters: Likely pathogenic (2). Last evaluated 2024-06-10.

Conditions:
FOXC1-related disorder. Also called: FOXC1-related condition.
Anterior segment dysgenesis 3 (ASGD3). Also called: Glaucoma iridogoniodysplasia, familial; IRIDOGONIODYSGENESIS ANOMALY, AUTOSOMAL DOMINANT. Identifiers: Orphanet 91483, MedGen C5975707, MONDO:0024456, OMIM 601631.
Axenfeld-Rieger syndrome type 3 (RIEG3). Also called: AXENFELD-RIEGER ANOMALY WITH CARDIAC DEFECTS AND/OR SENSORINEURAL HEARING LOSS. Identifiers: Orphanet 782, MedGen C2678503, MONDO:0011233, OMIM 602482.

Submissions (2):

Fulgent Genetics
Classification: Likely pathogenic for Anterior segment dysgenesis 3; Axenfeld-Rieger syndrome type 3. Last evaluated: 2024-06-10. Review status: criteria provided, single submitter. Criteria: ACMG Guidelines, 2015. Collection method: clinical testing. Allele origin: germline.

PreventionGenetics, part of Exact Sciences
Classification: Likely pathogenic for FOXC1-related condition. Last evaluated: 2022-12-14. Review status: criteria provided, single submitter. Criteria: ACMG Guidelines, 2015. Collection method: clinical testing. Allele origin: germline.
Comment: The FOXC1 c.404G>A variant is predicted to result in the amino acid substitution p.Cys135Tyr. This variant was reported as de novo in an individual with bilateral congenital glaucoma (Chakrabarti et al. 2009. PubMed ID: 18708620). Functional studies found this variant did not localize to the nucleus as efficiently and was unable to bind DNA compared to wild type FOXC1 (Seifi et al. 2016. PubMed ID: 27804176). This variant has not been reported in a large population database, indicating this variant is rare. This variant is interpreted as likely pathogenic.

NM_001453.3(FOXC1):c.404G>A (p.Cys135Tyr)

Gene: FOXC1 (forkhead box C1; plus strand). Cytogenetic location: 6p25.3.
Variant type: single nucleotide variant.
Coding change: c.404G>A on transcript NM_001453.3 (MANE Select); coding-DNA position 404, G replaced by A.
Protein change: p.Cys135Tyr; replaces cysteine 135 with tyrosine.
Molecular consequence: missense variant.
Genome position (GRCh38, 1-based): chr6:1,610,849, G>A. VCF-style: chr6-1610849-G-A. GRCh37 (hg19) VCF-style: chr6-1611084-G-A.
Other names: short protein forms C135Y.
Identifiers: ClinVar variation 2629736 (VCV002629736.2), dbSNP rs2480502500, ClinGen allele CA362558744.